The following is an entry in ClinVar:

NM_000452.3(SLC10A2):c.260C>A (p.Ser87Ter)

Gene: SLC10A2 (solute carrier family 10 member 2; minus strand). Cytogenetic location: 13q33.1.
Variant type: single nucleotide variant.
Coding change: c.260C>A on transcript NM_000452.3 (MANE Select); coding-DNA position 260, C replaced by A.
Protein change: p.Ser87Ter; replaces serine 87 with a stop codon.
Molecular consequence: nonsense.
Genome position (GRCh38, 1-based): chr13:103,065,990, G>T on the plus strand (C>A on the coding strand, the complement: SLC10A2 is on the minus strand). VCF-style: chr13-103065990-G-T. GRCh37 (hg19) VCF-style: chr13-103718340-G-T.
Other names: short protein forms S87*.
Identifiers: ClinVar variation 3675028 (VCV003675028.2).

ClinVar aggregate classification (germline): Uncertain significance (1 of 4 stars; one submission).

Submission:

Labcorp Genetics (formerly Invitae), Labcorp
Classification: Uncertain significance. Last evaluated: 2024-08-12. Review status: criteria provided, single submitter. Criteria: Invitae Variant Classification Sherloc (09022015). Collection method: clinical testing. Allele origin: germline.
Comment: This sequence change creates a premature translational stop signal (p.Ser87*) in the SLC10A2 gene. It is expected to result in an absent or disrupted protein product. However, the current clinical and genetic evidence is not sufficient to establish whether loss-of-function variants in SLC10A2 cause disease. This variant is not present in population databases (gnomAD no frequency). This variant has not been reported in the literature in individuals affected with SLC10A2-related conditions. Algorithms developed to predict the effect of sequence changes on RNA splicing suggest that this variant may create or strengthen a splice site. In summary, the available evidence is currently insufficient to determine the role of this variant in disease. Therefore, it has been classified as a Variant of Uncertain Significance.